The following is an entry in ClinVar:

ClinVar aggregate classification (germline): Uncertain significance. Review status: criteria provided, multiple submitters, no conflicts (2 of 4 stars). 3 submissions from 3 submitters: Uncertain significance (3). Last evaluated 2025-01-29.

Conditions:
Dilated cardiomyopathy 1G (CMD1G). Identifiers: Orphanet 154, MedGen C1858763, MONDO:0011400, OMIM 604145.
Autosomal recessive limb-girdle muscular dystrophy type 2J (LGMDR10). Also called: Limb-girdle muscular dystrophy, type 2J; MUSCULAR DYSTROPHY, LIMB-GIRDLE, AUTOSOMAL RECESSIVE 10. Identifiers: Orphanet 140922, MedGen C1837342, MONDO:0012127, OMIM 608807.

Allele frequency attached by ClinVar (database versions not stated): TOPMed below 0.00001; gnomAD exomes 0.00001 and 0.00002; ExAC 0.00002; ESP Exome Variant Server 0.00008.
gnomAD v4.1: 22 of 1,613,982 alleles (0.0014%); highest among the groups gnomAD compares: Middle Eastern, 0.016%; no homozygotes.

Submissions (3):

Mayo Clinic Laboratories, Mayo Clinic
Classification: Uncertain significance. Last evaluated: 2025-01-29. Review status: criteria provided, single submitter. Criteria: ACMG Guidelines, 2015. Collection method: clinical testing. Allele origin: germline. Observed: 1 variant allele.
Comment: PP3

Labcorp Genetics (formerly Invitae), Labcorp
Classification: Uncertain significance for Dilated cardiomyopathy 1G; Autosomal recessive limb-girdle muscular dystrophy type 2J. Last evaluated: 2024-08-05. Review status: criteria provided, single submitter. Criteria: Invitae Variant Classification Sherloc (09022015). Collection method: clinical testing. Allele origin: germline.
Comment: This sequence change replaces leucine, which is neutral and non-polar, with proline, which is neutral and non-polar, at codon 34495 of the TTN protein (p.Leu34495Pro). This variant is present in population databases (rs373479287, gnomAD 0.01%). This variant has not been reported in the literature in individuals affected with TTN-related conditions. ClinVar contains an entry for this variant (Variation ID: 1035727). Experimental studies and prediction algorithms are not available or were not evaluated, and the functional significance of this variant is currently unknown. This variant is located in the M band of TTN (PMID: 25589632). Non-truncating variants in this region may be relevant for neuromuscular disorders, but have not been definitively shown to cause cardiomyopathy (PMID: 23975875). In summary, the available evidence is currently insufficient to determine the role of this variant in disease. Therefore, it has been classified as a Variant of Uncertain Significance.

Revvity Omics, Revvity
Classification: Uncertain significance. Last evaluated: 2021-02-10. Review status: criteria provided, single submitter. Criteria: ACMG Guidelines, 2015. Collection method: clinical testing. Allele origin: germline.

Literature cited by the submitters: PubMed 23975875 (cited by Mayo Clinic Laboratories, Mayo Clinic and Labcorp Genetics (formerly Invitae), Labcorp); PubMed 25589632 (cited by Mayo Clinic Laboratories, Mayo Clinic and Labcorp Genetics (formerly Invitae), Labcorp); PubMed 31983221 (cited by Mayo Clinic Laboratories, Mayo Clinic); PubMed 33012304 (cited by Mayo Clinic Laboratories, Mayo Clinic).

NM_001267550.2(TTN):c.103484T>C (p.Leu34495Pro)

Genes: TTN-AS1 (TTN antisense RNA 1; plus strand), TTN (titin; minus strand). Cytogenetic location: 2q31.2.
Variant type: single nucleotide variant.
Coding change: c.103484T>C on transcript NM_001267550.2 (MANE Select); coding-DNA position 103484, T replaced by C.
Protein change: p.Leu34495Pro; replaces leucine 34495 with proline.
Molecular consequence: missense variant.
Genome position (GRCh38, 1-based): chr2:178,533,131, A>G on the plus strand (T>C on the coding strand, the complement: TTN is on the minus strand). VCF-style: chr2-178533131-A-G. GRCh37 (hg19) VCF-style: chr2-179397858-A-G.
Other names: p.Leu32854Pro; c.98561T>C, p.Leu32854Pro (NM_001256850.1); c.76289T>C, p.Leu25430Pro (NM_003319.4); c.95780T>C, p.Leu31927Pro (NM_133378.4); c.76664T>C, p.Leu25555Pro (NM_133432.3); c.76865T>C, p.Leu25622Pro (NM_133437.4); short protein forms L25555P, L25622P, L25430P, L32854P, L31927P, L34495P.
Identifiers: ClinVar variation 1035727 (VCV001035727.11), dbSNP rs373479287, ClinGen allele CA1985596.
Genomic context (GRCh38, chr2:178,533,131, plus strand): 5'-CTTACAGCCGGTTTATAAAGGACAGCAGCTTCTCTCAGAGCCTCTTTAGCTACCTGTGTC[A>G]GTGGTACACTTTCAGTTCCAGAAAGAATTTCAGCCATTCTGAGGGTTTTGTCAATTTGTT-3'
Protein context (NP_001254479.2, residues 34485-34505): EILSGTESVP[Leu34495Pro]TQVAKEALRE